The following is an entry in ClinVar:

ClinVar aggregate classification (germline): Uncertain significance (1 of 4 stars; one submission).

Conditions:
Dilated cardiomyopathy 1DD (CMD1DD). Identifiers: Orphanet 154, MedGen C2750995, MONDO:0013168, OMIM 613172.

Submission:

Labcorp Genetics (formerly Invitae), Labcorp
Classification: Uncertain significance for Dilated cardiomyopathy 1DD. Last evaluated: 2021-02-07. Review status: criteria provided, single submitter. Criteria: Invitae Variant Classification Sherloc (09022015). Collection method: clinical testing. Allele origin: germline.
Comment: This sequence change replaces glutamic acid with glycine at codon 787 of the RBM20 protein (p.Glu787Gly). The glutamic acid residue is highly conserved and there is a moderate physicochemical difference between glutamic acid and glycine. This variant is not present in population databases (ExAC no frequency). This variant has not been reported in the literature in individuals with RBM20-related conditions. Advanced modeling of protein sequence and biophysical properties (such as structural, functional, and spatial information, amino acid conservation, physicochemical variation, residue mobility, and thermodynamic stability) performed at Invitae indicates that this missense variant is not expected to disrupt RBM20 protein function. In summary, the available evidence is currently insufficient to determine the role of this variant in disease. Therefore, it has been classified as a Variant of Uncertain Significance.

NM_001134363.3(RBM20):c.2360A>G (p.Glu787Gly)

Gene: RBM20 (RNA binding motif protein 20; plus strand). Cytogenetic location: 10q25.2.
Variant type: single nucleotide variant.
Coding change: c.2360A>G on transcript NM_001134363.3 (MANE Select); coding-DNA position 2360, A replaced by G.
Protein change: p.Glu787Gly; replaces glutamic acid 787 with glycine.
Molecular consequence: missense variant.
Genome position (GRCh38, 1-based): chr10:110,812,757, A>G. VCF-style: chr10-110812757-A-G. GRCh37 (hg19) VCF-style: chr10-112572515-A-G.
Other names: short protein forms E787G.
Identifiers: ClinVar variation 1011507 (VCV001011507.8), dbSNP rs1844790155, ClinGen allele CA378373565.